The following is an entry in ClinVar:

NM_001267550.2(TTN):c.73456G>A (p.Val24486Ile)

Genes: TTN (titin; minus strand), TTN-AS1 (TTN antisense RNA 1; plus strand). Cytogenetic location: 2q31.2.
Variant type: single nucleotide variant.
Coding change: c.73456G>A on transcript NM_001267550.2 (MANE Select); coding-DNA position 73456, G replaced by A.
Protein change: p.Val24486Ile; replaces valine 24486 with isoleucine.
Molecular consequence: missense variant.
Genome position (GRCh38, 1-based): chr2:178,572,676, C>T on the plus strand (G>A on the coding strand, the complement: TTN is on the minus strand). VCF-style: chr2-178572676-C-T. GRCh37 (hg19) VCF-style: chr2-179437403-C-T.
Other names: c.68533G>A, p.Val22845Ile (NM_001256850.1); c.46261G>A, p.Val15421Ile (NM_003319.4); c.65752G>A, p.Val21918Ile (NM_133378.4); c.46636G>A, p.Val15546Ile (NM_133432.3); c.46837G>A, p.Val15613Ile (NM_133437.4); short protein forms V15613I, V21918I, V15546I, V22845I, V24486I, V15421I.
Identifiers: ClinVar variation 1741976 (VCV001741976.2), dbSNP rs2468548405, ClinGen allele CA349642081.
Genomic context (GRCh38, chr2:178,572,676, plus strand): 5'-CTGAACTATTTTCTACAGTTAGTATATATTTGCCACTGTCAAATCTGTTTACATTTCCAA[C>T]AATAAGCAGGGTGTAAGAGCTTGTGGATTCGATGCTAGCTTTATCTAAAGATTCTCCATG-3'
Protein context (NP_001254479.2, residues 24476-24496): ESTSSYTLLI[Val24486Ile]GNVNRFDSGK

ClinVar aggregate classification (germline): Uncertain significance (1 of 4 stars; one submission).

Conditions:
Cardiovascular phenotype. Identifiers: MedGen CN230736.

Submission:

Ambry Genetics
Classification: Uncertain significance for Cardiovascular phenotype. Last evaluated: 2018-10-17. Review status: criteria provided, single submitter. Criteria: Ambry Variant Classification Scheme 2023. Collection method: clinical testing. Allele origin: germline.
Comment: The p.V15421I variant (also known as c.46261G>A), located in coding exon 153 of the TTN gene, results from a G to A substitution at nucleotide position 46261. The valine at codon 15421 is replaced by isoleucine, an amino acid with highly similar properties. This amino acid position is not well conserved in available vertebrate species, and isoleucine is the reference amino acid in other vertebrate species. In addition, this alteration is predicted to be tolerated by in silico analysis. Since supporting evidence is limited at this time, the clinical significance of this alteration remains unclear.